The following is an entry in ClinVar:

ClinVar aggregate classification (germline): Conflicting classifications of pathogenicity. Review status: criteria provided, conflicting classifications (1 of 4 stars). 3 submissions from 3 submitters: Uncertain significance (2); Likely benign (1). Last evaluated 2025-11-18.

Conditions:
Cardiovascular phenotype. Identifiers: MedGen CN230736.
APOB-related disorder. Also called: APOB-related disorders; APOB-related condition.
Familial hypobetalipoproteinemia 1. Also called: Hypobetalipoproteinemia, normotriglyceridemic; Acanthocytosis with hypobetalipoproteinemia; APOB-Related Familial Hypobetalipoproteinemia. Identifiers: MedGen C4551990, MONDO:0014252, OMIM 615558.
Hypercholesterolemia, autosomal dominant, type B (FHCL2). Also called: Familial Hypercholesterolemia Type B; HYPERCHOLESTEROLEMIA, FAMILIAL, DUE TO LIGAND-DEFECTIVE APOLIPOPROTEIN B; Familial hypercholesterolemia 2; APOB-Related Familial Hypercholesterolemia, Autosomal Dominant; APOLIPOPROTEIN B-100, FAMILIAL DEFECTIVE; APOLIPOPROTEIN B-100, FAMILIAL LIGAND-DEFECTIVE. Identifiers: MedGen C1704417, MONDO:0007751, OMIM 144010.

Allele frequency attached by ClinVar (database versions not stated): ExAC 0.00002.
gnomAD v4.1: 29 of 1,613,826 alleles (0.0018%); highest among the groups gnomAD compares: Middle Eastern, 0.016%; no homozygotes.

Submissions (3):

Labcorp Genetics (formerly Invitae), Labcorp
Classification: Likely benign for Familial hypobetalipoproteinemia 1; Hypercholesterolemia, autosomal dominant, type B. Last evaluated: 2025-11-18. Review status: criteria provided, single submitter. Criteria: Invitae Variant Classification Sherloc (09022015). Collection method: clinical testing. Allele origin: germline.

Ambry Genetics
Classification: Uncertain significance for Cardiovascular phenotype. Last evaluated: 2023-09-20. Review status: criteria provided, single submitter. Criteria: Ambry Variant Classification Scheme 2023. Collection method: clinical testing. Allele origin: germline.

PreventionGenetics, part of Exact Sciences
Classification: Uncertain significance for APOB-related condition. Last evaluated: 2023-05-19. Review status: criteria provided, single submitter. Criteria: ACMG Guidelines, 2015. Collection method: clinical testing. Allele origin: germline.
Comment: The APOB c.12053A>G variant is predicted to result in the amino acid substitution p.Asp4018Gly. To our knowledge, this variant has not been reported in the literature. This variant is reported in 0.0039% of alleles in individuals of European (Non-Finnish) descent in gnomAD. At this time, the clinical significance of this variant is uncertain due to the absence of conclusive functional and genetic evidence.

NM_000384.3(APOB):c.12053A>G (p.Asp4018Gly)

Gene: APOB (apolipoprotein B; minus strand). Cytogenetic location: 2p24.1.
Variant type: single nucleotide variant.
Coding change: c.12053A>G on transcript NM_000384.3 (MANE Select); coding-DNA position 12053, A replaced by G.
Protein change: p.Asp4018Gly; replaces aspartic acid 4018 with glycine.
Molecular consequence: missense variant.
Genome position (GRCh38, 1-based): chr2:21,004,303, T>C on the plus strand (A>G on the coding strand, the complement: APOB is on the minus strand). VCF-style: chr2-21004303-T-C. GRCh37 (hg19) VCF-style: chr2-21227175-T-C.
Other names: short protein forms D4018G.
Identifiers: ClinVar variation 927673 (VCV000927673.8), dbSNP rs771555558, ClinGen allele CA048799.